The following is an entry in ClinVar:

ClinVar aggregate classification (germline): Likely benign. Review status: criteria provided, multiple submitters, no conflicts (2 of 4 stars). 3 submissions from 3 submitters: Likely benign (2). 1 of the submissions does not count toward it. Last evaluated 2026-05-05.

Conditions:
Usher syndrome type 2A. Also called: RETINAL DISEASE IN USHER SYNDROME TYPE IIA, MODIFIER OF; USHER SYNDROME, TYPE IIA. Identifiers: Orphanet 231178, Orphanet 886, MedGen C1848634, MONDO:0010169, OMIM 276901.
USH2A-related disorder. Also called: USH2A-related condition; USH2A-related disorders. Identifiers: MedGen CN239332.

Allele frequency attached by ClinVar (database versions not stated): gnomAD 0.00001; gnomAD exomes 0.00002 and 0.00003; TOPMed 0.00006.
gnomAD v4.1: 11 of 1,613,828 alleles (0.00068%); highest among the groups gnomAD compares: Admixed American, 0.018%; no homozygotes.

Submissions (3):

PreventionGenetics, part of Exact Sciences
Classification: Likely benign for USH2A-related condition. Last evaluated: 2026-05-05. Review status: criteria provided, single submitter. Criteria: ACMG Guidelines, 2015. Collection method: clinical testing. Allele origin: germline.
Comment: This variant is classified as likely benign based on ACMG/AMP sequence variant interpretation guidelines (Richards et al. 2015 PMID: 25741868, with internal and published modifications).

Labcorp Genetics (formerly Invitae), Labcorp
Classification: Likely benign. Last evaluated: 2025-12-11. Review status: criteria provided, single submitter. Criteria: Invitae Variant Classification Sherloc (09022015). Collection method: clinical testing. Allele origin: germline.

Natera, Inc.
Classification: Likely benign for Usher syndrome type 2A. Last evaluated: 2020-04-03. Review status: no assertion criteria provided. Collection method: clinical testing. Allele origin: germline. Not counted in ClinVar's aggregate classification.

NM_206933.4(USH2A):c.9714T>C (p.Ser3238=)

Gene: USH2A (usherin; minus strand). Cytogenetic location: 1q41.
Variant type: single nucleotide variant.
Coding change: c.9714T>C on transcript NM_206933.4 (MANE Select); coding-DNA position 9714, T replaced by C.
Protein change: p.Ser3238=; no amino-acid change (serine 3238 retained).
Molecular consequence: synonymous variant.
Genome position (GRCh38, 1-based): chr1:215,813,761, A>G on the plus strand (T>C on the coding strand, the complement: USH2A is on the minus strand). VCF-style: chr1-215813761-A-G. GRCh37 (hg19) VCF-style: chr1-215987103-A-G.
Identifiers: ClinVar variation 766073 (VCV000766073.12), dbSNP rs979950007, ClinGen allele CA37426391.
Genomic context (GRCh38, chr1:215,813,761, plus strand): 5'-CATAGTTTTTGAGTACACCTGGAAATAACCCTCACCTGGTAGAATTCTAGCGTAATACCC[A>G]GAGCAGCACTGATGATTTGGTTGTGCCTCCTGTATTCGGCCACCACAACAAACTCCAGTA-3'
Protein context (NP_996816.3, residues 3228-3248): QEAQPNHQCC[Ser3238=]GYYARILPGE